The following is an entry in ClinVar:

NM_002519.3(NPAT):c.1241A>G (p.Glu414Gly)

Gene: NPAT (nuclear protein, coactivator of histone transcription; minus strand). Cytogenetic location: 11q22.3.
Variant type: single nucleotide variant.
Coding change: c.1241A>G on transcript NM_002519.3 (MANE Select); coding-DNA position 1241, A replaced by G.
Protein change: p.Glu414Gly; replaces glutamic acid 414 with glycine.
Molecular consequence: missense variant.
Genome position (GRCh38, 1-based): chr11:108,173,743, T>C on the plus strand (A>G on the coding strand, the complement: NPAT is on the minus strand). VCF-style: chr11-108173743-T-C. GRCh37 (hg19) VCF-style: chr11-108044470-T-C.
Other names: c.1241A>G, p.Glu414Gly (NM_001321307.1); short protein forms E414G.
Identifiers: ClinVar variation 3407163 (VCV003407163.1).

ClinVar aggregate classification (germline): Uncertain significance (1 of 4 stars; one submission).

Submission:

Ambry Genetics
Classification: Uncertain significance. Last evaluated: 2024-06-29. Review status: criteria provided, single submitter. Criteria: Ambry Variant Classification Scheme 2023. Collection method: clinical testing. Allele origin: germline.
Comment: The p.E414G variant (also known as c.1241A>G), located in coding exon 13 of the NPAT gene, results from an A to G substitution at nucleotide position 1241. The glutamic acid at codon 414 is replaced by glycine, an amino acid with similar properties. This amino acid position is conserved. In addition, this alteration is predicted to be tolerated by in silico analysis. Based on the available evidence, the clinical significance of this variant remains unclear.